The following is an entry in ClinVar:

NM_001376.5(DYNC1H1):c.1460A>C (p.Gln487Pro)

Gene: DYNC1H1 (dynein cytoplasmic 1 heavy chain 1; plus strand). Cytogenetic location: 14q32.31.
Variant type: single nucleotide variant.
Coding change: c.1460A>C on transcript NM_001376.5 (MANE Select); coding-DNA position 1460, A replaced by C.
Protein change: p.Gln487Pro; replaces glutamine 487 with proline.
Molecular consequence: missense variant.
Genome position (GRCh38, 1-based): chr14:101,983,608, A>C. VCF-style: chr14-101983608-A-C. GRCh37 (hg19) VCF-style: chr14-102449945-A-C.
Other names: short protein forms Q487P.
Identifiers: ClinVar variation 1421508 (VCV001421508.8), dbSNP rs2141272621, ClinGen allele CA391016450.
Genomic context (GRCh38, chr14:101,983,608, plus strand): 5'-GAAAATTTAGACGCCAGCATGAACAGCTAAGAGCTGTTATCGTCAGGGTCCTGAGGCCAC[A>C]GGTAAGATTTGCATTCTAAAAGTTTGTGTTTTGTTTTTGTTTTTGTTTTGTTTTTTGTTT-3'
Protein context (NP_001367.2, residues 477-497): RAVIVRVLRP[Gln487Pro]VTAVAQQNQG

ClinVar aggregate classification (germline): Uncertain significance (1 of 4 stars; one submission).

Conditions:
Charcot-Marie-Tooth disease axonal type 2O. Also called: CHARCOT-MARIE-TOOTH NEUROPATHY, AXONAL, TYPE 2O; CHARCOT-MARIE-TOOTH DISEASE, AXONAL, AUTOSOMAL DOMINANT, TYPE 2O; Charcot-Marie-Tooth Neuropathy Type 2O; Charcot-Marie-Tooth disease, axonal, type 20. Identifiers: Orphanet 284232, MedGen C3280220, MONDO:0013644, OMIM 614228.

Submission:

Labcorp Genetics (formerly Invitae), Labcorp
Classification: Uncertain significance for Charcot-Marie-Tooth disease axonal type 2O. Last evaluated: 2021-07-22. Review status: criteria provided, single submitter. Criteria: Invitae Variant Classification Sherloc (09022015). Collection method: clinical testing. Allele origin: germline.
Comment: This variant is not present in population databases (ExAC no frequency). This sequence change replaces glutamine with proline at codon 487 of the DYNC1H1 protein (p.Gln487Pro). The glutamine residue is moderately conserved and there is a moderate physicochemical difference between glutamine and proline. This variant has not been reported in the literature in individuals affected with DYNC1H1-related conditions. In summary, the available evidence is currently insufficient to determine the role of this variant in disease. Therefore, it has been classified as a Variant of Uncertain Significance. Algorithms developed to predict the effect of missense changes on protein structure and function (SIFT, PolyPhen-2, Align-GVGD) all suggest that this variant is likely to be tolerated.